The following is an entry in ClinVar:

ClinVar aggregate classification (germline): Uncertain significance. Review status: criteria provided, multiple submitters, no conflicts (2 of 4 stars). 3 submissions from 3 submitters: Uncertain significance (3). Last evaluated 2023-11-27.

Conditions:
Retinal dystrophy. Also called: Inherited retinal dystrophy. Identifiers: Orphanet 71862, MedGen C0854723, MeSH D058499, MONDO:0019118, HP:0000556.

Allele frequency attached by ClinVar (database versions not stated): ExAC 0.00001; gnomAD exomes 0.00001 and 0.00002; TOPMed 0.00002; gnomAD 0.00003.
gnomAD v4.1: 16 of 1,614,096 alleles (0.00099%); highest among the groups gnomAD compares: Middle Eastern, 0.016%; no homozygotes.

Submissions (3):

Labcorp Genetics (formerly Invitae), Labcorp
Classification: Uncertain significance. Last evaluated: 2023-11-27. Review status: criteria provided, single submitter. Criteria: Invitae Variant Classification Sherloc (09022015). Collection method: clinical testing. Allele origin: germline.
Comment: This sequence change replaces valine, which is neutral and non-polar, with isoleucine, which is neutral and non-polar, at codon 591 of the CNGB1 protein (p.Val591Ile). This variant is present in population databases (rs746847813, gnomAD 0.02%). This missense change has been observed in individual(s) with clinical features of CNGB1-related conditions (Invitae). ClinVar contains an entry for this variant (Variation ID: 1043258). Advanced modeling of protein sequence and biophysical properties (such as structural, functional, and spatial information, amino acid conservation, physicochemical variation, residue mobility, and thermodynamic stability) performed at Invitae indicates that this missense variant is not expected to disrupt CNGB1 protein function with a negative predictive value of 80%. In summary, the available evidence is currently insufficient to determine the role of this variant in disease. Therefore, it has been classified as a Variant of Uncertain Significance.

Dept Of Ophthalmology, Nagoya University
Classification: Uncertain significance for Retinal dystrophy. Last evaluated: 2023-10-01. Review status: criteria provided, single submitter. Criteria: Submitter's publication. Collection method: research. Allele origin: germline. Affected: yes.

Blueprint Genetics
Classification: Uncertain significance. Last evaluated: 2022-09-27. Review status: criteria provided, single submitter. Criteria: ACMG Guidelines, 2015. Collection method: clinical testing. Allele origin: germline.

NM_001297.5(CNGB1):c.1771G>A (p.Val591Ile)

Gene: CNGB1 (cyclic nucleotide gated channel subunit beta 1; minus strand). Cytogenetic location: 16q21.
Variant type: single nucleotide variant.
Coding change: c.1771G>A on transcript NM_001297.5 (MANE Select); coding-DNA position 1771, G replaced by A.
Protein change: p.Val591Ile; replaces valine 591 with isoleucine.
Molecular consequence: missense variant.
Genome position (GRCh38, 1-based): chr16:57,920,417, C>T on the plus strand (G>A on the coding strand, the complement: CNGB1 is on the minus strand). VCF-style: chr16-57920417-C-T. GRCh37 (hg19) VCF-style: chr16-57954321-C-T.
Other names: c.1753G>A, p.Val585Ile (NM_001286130.2); short protein forms V591I, V585I.
Identifiers: ClinVar variation 1043258 (VCV001043258.8), dbSNP rs746847813, ClinGen allele CA8083304.